The following is an entry in ClinVar:

ClinVar aggregate classification (germline): Likely benign (1 of 4 stars; one submission).

Submission:

CeGaT Center for Human Genetics Tuebingen
Classification: Likely benign. Last evaluated: 2025-03-01. Review status: criteria provided, single submitter. Criteria: CeGaT Center For Human Genetics Tuebingen Variant Classification Criteria Version 2. Collection method: clinical testing. Allele origin: germline. Affected: yes. Observed: 1 variant allele.
Comment: FBXW11: BP4, BP7

NM_001378974.1(FBXW11):c.1686T>G (p.Ser562=)

Gene: FBXW11 (F-box and WD repeat domain containing 11; minus strand). Cytogenetic location: 5q35.1.
Variant type: single nucleotide variant.
Coding change: c.1686T>G on transcript NM_001378974.1 (MANE Select); coding-DNA position 1686, T replaced by G.
Protein change: p.Ser562=; no amino-acid change (serine 562 retained).
Molecular consequence: synonymous variant.
Genome position (GRCh38, 1-based): chr5:171,868,641, A>C on the plus strand (T>G on the coding strand, the complement: FBXW11 is on the minus strand). VCF-style: chr5-171868641-A-C. GRCh37 (hg19) VCF-style: chr5-171295645-A-C.
Other names: c.1617T>G, p.Ser539= (NM_001378975.1); c.1590T>G, p.Ser530= (NM_001378976.1); c.1527T>G, p.Ser509= (NM_001378977.1, NM_001378978.1, NM_001378979.1); c.1521T>G, p.Ser507= (NM_001378980.1, NM_033645.3); c.1623T>G, p.Ser541= (NM_012300.3); c.1584T>G, p.Ser528= (NM_033644.3).
Identifiers: ClinVar variation 3778048 (VCV003778048.7).